The following is an entry in ClinVar:

ClinVar aggregate classification (germline): Uncertain significance (1 of 4 stars; one submission).

Conditions:
Hereditary cancer-predisposing syndrome. Also called: Neoplastic Syndromes, Hereditary; Tumor predisposition; Hereditary neoplastic syndrome; Hereditary Cancer Syndrome. Identifiers: Orphanet 140162, MedGen C0027672, MeSH D009386, MONDO:0015356.

Submission:

Ambry Genetics
Classification: Uncertain significance for Hereditary cancer-predisposing syndrome. Last evaluated: 2026-07-06. Review status: criteria provided, single submitter. Criteria: Ambry Variant Classification Scheme 2023. Collection method: clinical testing. Allele origin: germline.
Comment: The p.N431I variant (also known as c.1292A>T), located in coding exon 9 of the CDH1 gene, results from an A to T substitution at nucleotide position 1292. The asparagine at codon 431 is replaced by isoleucine, an amino acid with dissimilar properties. This amino acid position is conserved. In addition, this alteration is predicted to be tolerated by in silico analysis. Based on the available evidence, the clinical significance of this variant remains unclear.

NM_004360.5(CDH1):c.1292A>T (p.Asn431Ile)

Gene: CDH1 (cadherin 1; plus strand). Cytogenetic location: 16q22.1.
Variant type: single nucleotide variant.
Coding change: c.1292A>T on transcript NM_004360.5 (MANE Select); coding-DNA position 1292, A replaced by T.
Protein change: p.Asn431Ile; replaces asparagine 431 with isoleucine.
Molecular consequence: missense variant. On other transcripts: 5 prime UTR variant (2), intron variant (1).
Genome position (GRCh38, 1-based): chr16:68,813,467, A>T. VCF-style: chr16-68813467-A-T. GRCh37 (hg19) VCF-style: chr16-68847370-A-T.
Other names: c.-324A>T (NM_001317185.2); c.-528A>T (NM_001317186.2); c.1137+1204A>T (NM_001317184.2); short protein forms N431I.
Identifiers: ClinVar variation 5033952 (VCV005033952.1).